The following is an entry in ClinVar:

ClinVar aggregate classification (germline): Uncertain significance. Review status: criteria provided, multiple submitters, no conflicts (2 of 4 stars). 2 submissions from 2 submitters: Uncertain significance (2). Last evaluated 2025-03-20.

Conditions:
Cardiovascular phenotype. Identifiers: MedGen CN230736.
Hereditary cancer-predisposing syndrome. Also called: Neoplastic Syndromes, Hereditary; Tumor predisposition; Hereditary neoplastic syndrome; Hereditary Cancer Syndrome. Identifiers: Orphanet 140162, MedGen C0027672, MeSH D009386, MONDO:0015356.
Neurofibromatosis, type 1 (NF1). Also called: VON RECKLINGHAUSEN DISEASE; Peripheral type neurofibromatosis; Neurofibromatosis, type I; NEUROFIBROMATOSIS, TYPE I, SOMATIC. Identifiers: Orphanet 636, MedGen C0027831, MONDO:0018975, OMIM 162200. Disease mechanism: loss of function.

Submissions (2):

Labcorp Genetics (formerly Invitae), Labcorp
Classification: Uncertain significance for Neurofibromatosis, type 1. Last evaluated: 2025-03-20. Review status: criteria provided, single submitter. Criteria: Invitae Variant Classification Sherloc (09022015). Collection method: clinical testing. Allele origin: germline.
Comment: This sequence change replaces valine, which is neutral and non-polar, with aspartic acid, which is acidic and polar, at codon 1732 of the NF1 protein (p.Val1732Asp). This variant is not present in population databases (gnomAD no frequency). This variant has not been reported in the literature in individuals affected with NF1-related conditions. Invitae Evidence Modeling of protein sequence and biophysical properties (such as structural, functional, and spatial information, amino acid conservation, physicochemical variation, residue mobility, and thermodynamic stability) indicates that this missense variant is expected to disrupt NF1 protein function with a positive predictive value of 95%. In summary, the available evidence is currently insufficient to determine the role of this variant in disease. Therefore, it has been classified as a Variant of Uncertain Significance.

Ambry Genetics
Classification: Uncertain significance for Cardiovascular phenotype; Hereditary cancer-predisposing syndrome. Last evaluated: 2025-03-05. Review status: criteria provided, single submitter. Criteria: Ambry Variant Classification Scheme 2023. Collection method: clinical testing. Allele origin: germline.
Comment: The p.V1732D variant (also known as c.5195T>A), located in coding exon 36 of the NF1 gene, results from a T to A substitution at nucleotide position 5195. The valine at codon 1732 is replaced by aspartic acid, an amino acid with highly dissimilar properties. This amino acid position is conserved. In addition, the in silico prediction for this alteration is inconclusive. Based on the available evidence, the clinical significance of this variant remains unclear.

NM_001042492.3(NF1):c.5258T>A (p.Val1753Asp)

Gene: NF1 (neurofibromin 1; plus strand). Cytogenetic location: 17q11.2.
Variant type: single nucleotide variant.
Coding change: c.5258T>A on transcript NM_001042492.3 (MANE Select); coding-DNA position 5258, T replaced by A.
Protein change: p.Val1753Asp; replaces valine 1753 with aspartic acid.
Molecular consequence: missense variant.
Genome position (GRCh38, 1-based): chr17:31,326,242, T>A. VCF-style: chr17-31326242-T-A. GRCh37 (hg19) VCF-style: chr17-29653260-T-A.
Other names: c.5195T>A, p.Val1732Asp (NM_000267.4); short protein forms V1732D, V1753D.
Identifiers: ClinVar variation 3879149 (VCV003879149.2).
Genomic context (GRCh38, chr17:31,326,242, plus strand): 5'-TAGAAGAGGACCTGAAGGTATTCCACAATGCTCTCAAGCTAGCTCACAAAGACACCAAAG[T>A]TTCTATTAAAGTAAGTTCCAGTCTGTGTTTTGTAAACGATTCATTGCTTTTCTTGACTAA-3'
Protein context (NP_001035957.1, residues 1743-1763): ALKLAHKDTK[Val1753Asp]SIKVGSTAVQ